The following is an entry in ClinVar:

NM_004960.4(FUS):c.906T>C (p.Ala302=)

Gene: FUS (FUS DNA/RNA binding protein; plus strand). Cytogenetic location: 16p11.2.
Variant type: single nucleotide variant.
Coding change: c.906T>C on transcript NM_004960.4 (MANE Select); coding-DNA position 906, T replaced by C.
Protein change: p.Ala302=; no amino-acid change (alanine 302 retained).
Molecular consequence: synonymous variant. On other transcripts: non-coding transcript variant (1).
Genome position (GRCh38, 1-based): chr16:31,189,196, T>C. VCF-style: chr16-31189196-T-C. GRCh37 (hg19) VCF-style: chr16-31200517-T-C.
Other names: c.903T>C, p.Ala301= (NM_001170634.1); c.894T>C, p.Ala298= (NM_001170937.1).
Identifiers: ClinVar variation 2925142 (VCV002925142.15), dbSNP rs140260536, ClinGen allele CA8023871.

ClinVar aggregate classification (germline): Likely benign. Review status: criteria provided, multiple submitters, no conflicts (2 of 4 stars). 3 submissions from 3 submitters: Likely benign (2). 1 of the submissions does not count toward it. Last evaluated 2025-11-18.

Conditions:
FUS-related disorder. Also called: FUS-related condition.
Amyotrophic lateral sclerosis type 6. Also called: FUS-Related Amyotrophic Laterial Sclerosis; AMYOTROPHIC LATERAL SCLEROSIS 6 WITHOUT FRONTOTEMPORAL DEMENTIA; Amyotrophic lateral sclerosis 6, with or without frontotemporal dementia. Identifiers: Orphanet 275872, Orphanet 803, MedGen C2931786, MONDO:0011951, OMIM 608030.
Tremor, hereditary essential, 4 (ETM4). Identifiers: MedGen C3539195, MONDO:0013888, OMIM 614782.

Allele frequency attached by ClinVar (database versions not stated): gnomAD exomes 0.00001; ExAC 0.00002; gnomAD 0.00002; TOPMed 0.00002; ESP Exome Variant Server 0.00015.

Submissions (3):

Labcorp Genetics (formerly Invitae), Labcorp
Classification: Likely benign for Tremor, hereditary essential, 4; Amyotrophic lateral sclerosis type 6. Last evaluated: 2025-11-18. Review status: criteria provided, single submitter. Criteria: Invitae Variant Classification Sherloc (09022015). Collection method: clinical testing. Allele origin: germline.

CeGaT Center for Human Genetics Tuebingen
Classification: Likely benign. Last evaluated: 2025-05-01. Review status: criteria provided, single submitter. Criteria: CeGaT Center For Human Genetics Tuebingen Variant Classification Criteria Version 2. Collection method: clinical testing. Allele origin: germline. Affected: yes. Observed: 1 variant allele.
Comment: FUS: BP4, BP7

PreventionGenetics, part of Exact Sciences
Classification: Likely benign for FUS-related condition. Last evaluated: 2021-12-01. Review status: no assertion criteria provided. Collection method: clinical testing. Allele origin: germline. Not counted in ClinVar's aggregate classification.
Comment: This variant is classified as likely benign based on ACMG/AMP sequence variant interpretation guidelines (Richards et al. 2015 PMID: 25741868, with internal and published modifications).